The following is an entry in ClinVar:

NM_001378156.1(C1QB):c.388G>A (p.Val130Ile)

Gene: C1QB (complement C1q B chain; plus strand). Cytogenetic location: 1p36.12.
Variant type: single nucleotide variant.
Coding change: c.388G>A on transcript NM_001378156.1 (MANE Select); coding-DNA position 388, G replaced by A.
Protein change: p.Val130Ile; replaces valine 130 with isoleucine.
Molecular consequence: missense variant.
Genome position (GRCh38, 1-based): chr1:22,661,018, G>A. VCF-style: chr1-22661018-G-A. GRCh37 (hg19) VCF-style: chr1-22987511-G-A.
Other names: c.394G>A, p.Val132Ile (NM_000491.5); c.388G>A, p.Val130Ile (NM_001371184.3); c.394G>A (NM_000491.4); short protein forms V130I, V132I.
Identifiers: ClinVar variation 2150388 (VCV002150388.4), dbSNP rs200457185, ClinGen allele CA678150.

ClinVar aggregate classification (germline): Conflicting classifications of pathogenicity. Review status: criteria provided, conflicting classifications (1 of 4 stars). 4 submissions from 4 submitters: Uncertain significance (3); Likely benign (1). Last evaluated 2025-05-05.

Conditions:
C1Q deficiency 2. Identifiers: MedGen C5830422, MONDO:0958187, OMIM 620321.
Inborn genetic diseases. Identifiers: MedGen C0950123, MeSH D030342.

Allele frequency attached by ClinVar (database versions not stated): TOPMed 0.00003; gnomAD 0.00005; 1000 Genomes Project 30x 0.00016; 1000 Genomes Project 0.00020.
gnomAD v4.1: 119 of 1,613,814 alleles (0.0074%); highest among the groups gnomAD compares: Non-Finnish European, 0.0063%; no homozygotes.

Submissions (4):

Ambry Genetics
Classification: Uncertain significance for Inborn genetic diseases. Last evaluated: 2025-05-05. Review status: criteria provided, single submitter. Criteria: Ambry Variant Classification Scheme 2023. Collection method: clinical testing. Allele origin: germline.

Blueprint Genetics
Classification: Likely benign. Last evaluated: 2024-10-02. Review status: criteria provided, single submitter. Criteria: ACMG Guidelines, 2015. Collection method: clinical testing. Allele origin: germline.

Fulgent Genetics
Classification: Uncertain significance for C1Q deficiency 2. Last evaluated: 2024-03-08. Review status: criteria provided, single submitter. Criteria: ACMG Guidelines, 2015. Collection method: clinical testing. Allele origin: germline.

Labcorp Genetics (formerly Invitae), Labcorp
Classification: Uncertain significance. Last evaluated: 2022-06-30. Review status: criteria provided, single submitter. Criteria: Invitae Variant Classification Sherloc (09022015). Collection method: clinical testing. Allele origin: germline.
Comment: This sequence change replaces valine, which is neutral and non-polar, with isoleucine, which is neutral and non-polar, at codon 132 of the C1QB protein (p.Val132Ile). The frequency data for this variant in the population databases is considered unreliable, as metrics indicate poor data quality at this position in the gnomAD database. This variant has not been reported in the literature in individuals affected with C1QB-related conditions. Algorithms developed to predict the effect of missense changes on protein structure and function output the following: SIFT: "Tolerated"; PolyPhen-2: "Benign"; Align-GVGD: "Class C0". The isoleucine amino acid residue is found in multiple mammalian species, which suggests that this missense change does not adversely affect protein function. In summary, the available evidence is currently insufficient to determine the role of this variant in disease. Therefore, it has been classified as a Variant of Uncertain Significance.